The following is an entry in ClinVar:

ClinVar aggregate classification (germline): Likely benign (1 of 4 stars; one submission).

gnomAD v4.1: 587 of 1,614,162 alleles (0.036%); highest among the groups gnomAD compares: African/African-American, 0.71%; 2 homozygotes.

Submission:

CeGaT Center for Human Genetics Tuebingen
Classification: Likely benign. Last evaluated: 2026-03-01. Review status: criteria provided, single submitter. Criteria: CeGaT Center For Human Genetics Tuebingen Variant Classification Criteria Version 2. Collection method: clinical testing. Allele origin: germline. Affected: yes. Observed: 2 variant alleles.
Comment: FBXO28: BP4, BP7

NM_015176.4(FBXO28):c.768T>G (p.Pro256=)

Gene: FBXO28 (F-box protein 28; plus strand). Cytogenetic location: 1q42.11.
Variant type: single nucleotide variant.
Coding change: c.768T>G on transcript NM_015176.4 (MANE Select); coding-DNA position 768, T replaced by G.
Protein change: p.Pro256=; no amino-acid change (proline 256 retained).
Molecular consequence: synonymous variant. On other transcripts: 3 prime UTR variant (1), non-coding transcript variant (1).
Genome position (GRCh38, 1-based): chr1:224,157,407, T>G. VCF-style: chr1-224157407-T-G. GRCh37 (hg19) VCF-style: chr1-224345109-T-G.
Other names: c.*32T>G (NM_001136115.3).
Identifiers: ClinVar variation 3905147 (VCV003905147.10).